The following is an entry in ClinVar:

ClinVar aggregate classification (germline): Pathogenic (1 of 4 stars; one submission).

Conditions:
Fabry disease. Also called: ALPHA-GALACTOSIDASE A DEFICIENCY; ANDERSON-FABRY DISEASE; CERAMIDE TRIHEXOSIDASE DEFICIENCY; GLA DEFICIENCY; HEREDITARY DYSTOPIC LIPIDOSIS; Angiokeratoma corporis diffusum. Identifiers: Orphanet 324, MedGen C0002986, MONDO:0010526, OMIM 301500, HP:0001071. Disease mechanism: Fabry disease is due to inactivating mutations in the X-linked GLA gene resulting in deficiency of the enzyme Alpha Galactosidase-A., loss of function.

Submission:

Genomenon, Inc
Classification: Pathogenic for Fabry disease. Last evaluated: 2026-09-08. Review status: criteria provided, single submitter. Criteria: Genomenon Sequence Variant Interpretation Standards - Updated. Collection method: curation. Allele origin: germline. Affected: yes.
Comment: GLA p.Asn278IlefsTer4 (c.833del) is a frameshift variant that is predicted to introduce a premature termination codon and result in a truncated or absent protein product. This variant has been observed in at least one proband with clinical features consistent with Fabry disease (PMID:21333496). The variant was found to segregate with disease in at least one affected family (PMID:21333496). Functional or patient cell studies have been reported (PMID:21333496). It is absent or not present at a significant frequency in gnomAD. In conclusion, we classify GLA p.Asn278IlefsTer4 (c.833del) as a pathogenic variant.

Literature cited by the submitters: PubMed 21333496.

NM_000169.3(GLA):c.833del (p.Asn278fs)

Genes: GLA (galactosidase alpha; minus strand), RPL36A-HNRNPH2 (RPL36A-HNRNPH2 readthrough; plus strand). Cytogenetic location: Xq22.1.
Variant type: Deletion.
Coding change: c.833del on transcript NM_000169.3 (MANE Select); coding-DNA position 833, one base deleted (A; older notation c.833delA).
Protein change: p.Asn278fs; shifts the reading frame from asparagine 278.
Molecular consequence: frameshift variant. On other transcripts: non-coding transcript variant (3), intron variant (2).
Genome position (GRCh38, 1-based): chrX:101,398,536, T deleted on the plus strand (A on the coding strand, the reverse complement: GLA is on the minus strand); the first of 2 consecutive T bases (chrX:101,398,536-101,398,537); deleting either gives the same sequence. VCF-style (leftmost placement, unchanged base first): chrX-101398535-AT-A. GRCh37 (hg19) VCF-style: chrX-100653523-AT-A.
Other names: c.956del, p.Asn319fs (NM_001406747.1); c.833del, p.Asn278fs (NM_001406748.1); c.300+3080del (NM_001199973.2); c.177+6715del (NM_001199974.2); short protein forms N278fs, N319fs.
Identifiers: ClinVar variation 4087011 (VCV004087011.2).